The following is an entry in ClinVar:

NM_000128.4(F11):c.433del (p.His145fs)

Gene: F11 (coagulation factor XI; plus strand). Cytogenetic location: 4q35.2.
Variant type: Deletion.
Coding change: c.433del on transcript NM_000128.4 (MANE Select); coding-DNA position 433, one base deleted (C; older notation c.433delC).
Protein change: p.His145fs; shifts the reading frame from histidine 145.
Molecular consequence: frameshift variant.
Genome position (GRCh38, 1-based): chr4:186,274,223, C deleted; the last of 2 consecutive C bases (chr4:186,274,222-186,274,223); deleting either gives the same sequence. VCF-style (leftmost placement, unchanged base first): chr4-186274221-TC-T. GRCh37 (hg19) VCF-style: chr4-187195375-TC-T.
Other names: c.433del, p.His145fs (NM_001354804.2); short protein forms H145fs.
Identifiers: ClinVar variation 3013766 (VCV003013766.3), dbSNP rs2477247285, ClinGen allele CA2740091614.

ClinVar aggregate classification (germline): Pathogenic (1 of 4 stars; one submission).

Submission:

Labcorp Genetics (formerly Invitae), Labcorp
Classification: Pathogenic. Last evaluated: 2023-10-24. Review status: criteria provided, single submitter. Criteria: Invitae Variant Classification Sherloc (09022015). Collection method: clinical testing. Allele origin: germline.
Comment: This sequence change creates a premature translational stop signal (p.His145Thrfs*23) in the F11 gene. It is expected to result in an absent or disrupted protein product. Loss-of-function variants in F11 are known to be pathogenic (PMID: 23929304). This variant is not present in population databases (gnomAD no frequency). This variant has not been reported in the literature in individuals affected with F11-related conditions. For these reasons, this variant has been classified as Pathogenic.

Literature cited by the submitters: PubMed 23929304.